The following is an entry in ClinVar:

NM_006268.5(DPF2):c.933C>T (p.Pro311=)

Gene: DPF2 (double PHD fingers 2; plus strand). Cytogenetic location: 11q13.1.
Variant type: single nucleotide variant.
Coding change: c.933C>T on transcript NM_006268.5 (MANE Select); coding-DNA position 933, C replaced by T.
Protein change: p.Pro311=; no amino-acid change (proline 311 retained).
Molecular consequence: synonymous variant.
Genome position (GRCh38, 1-based): chr11:65,346,275, C>T. VCF-style: chr11-65346275-C-T. GRCh37 (hg19) VCF-style: chr11-65113746-C-T.
Other names: c.975C>T (NM_001330308.1); c.975C>T, p.Pro325= (NM_001330308.2).
Identifiers: ClinVar variation 2164778 (VCV002164778.6), dbSNP rs770082049, ClinGen allele CA6095429.

ClinVar aggregate classification (germline): Likely benign. Review status: criteria provided, single submitter (1 of 4 stars). 2 submissions from 2 submitters: Likely benign (1). 1 of the submissions does not count toward it. Last evaluated 2025-11-09.

Conditions:
DPF2-related disorder. Also called: DPF2-related condition.

Allele frequency attached by ClinVar (database versions not stated): ExAC 0.00001; gnomAD 0.00004; TOPMed 0.00009.
gnomAD v4.1: 15 of 1,614,014 alleles (0.00093%); highest among the groups gnomAD compares: Admixed American, 0.0067%; no homozygotes.

Submissions (2):

Labcorp Genetics (formerly Invitae), Labcorp
Classification: Likely benign. Last evaluated: 2025-11-09. Review status: criteria provided, single submitter. Criteria: Invitae Variant Classification Sherloc (09022015). Collection method: clinical testing. Allele origin: germline.

PreventionGenetics, part of Exact Sciences
Classification: Likely benign for DPF2-related condition. Last evaluated: 2019-03-08. Review status: no assertion criteria provided. Collection method: clinical testing. Allele origin: germline. Not counted in ClinVar's aggregate classification.
Comment: This variant is classified as likely benign based on ACMG/AMP sequence variant interpretation guidelines (Richards et al. 2015 PMID: 25741868, with internal and published modifications).